The following is an entry in ClinVar:

ClinVar aggregate classification (germline): Uncertain significance. Review status: criteria provided, multiple submitters, no conflicts (2 of 4 stars). 2 submissions from 2 submitters: Uncertain significance (2). Last evaluated 2023-11-29.

Conditions:
Dyskeratosis congenita. Identifiers: Orphanet 1775, MedGen C0265965, MONDO:0015780.

Allele frequency attached by ClinVar (database versions not stated): gnomAD exomes below 0.00001.
gnomAD v4.1: 2 of 1,614,174 alleles (0.00012%); highest among the groups gnomAD compares: Non-Finnish European, 0.00017%; no homozygotes.

Submissions (2):

Blueprint Genetics
Classification: Uncertain significance. Last evaluated: 2023-11-29. Review status: criteria provided, single submitter. Criteria: ACMG Guidelines, 2015. Collection method: clinical testing. Allele origin: germline.

Labcorp Genetics (formerly Invitae), Labcorp
Classification: Uncertain significance for Dyskeratosis congenita. Last evaluated: 2019-10-28. Review status: criteria provided, single submitter. Criteria: Invitae Variant Classification Sherloc (09022015). Collection method: clinical testing. Allele origin: germline.
Comment: This sequence change replaces cysteine with tyrosine at codon 444 of the TINF2 protein (p.Cys444Tyr). The cysteine residue is moderately conserved and there is a large physicochemical difference between cysteine and tyrosine. This variant is not present in population databases (ExAC no frequency). This variant has not been reported in the literature in individuals with TINF2-related conditions. Algorithms developed to predict the effect of missense changes on protein structure and function output the following: SIFT: "Tolerated"; PolyPhen-2: "Benign"; Align-GVGD: "Class C0". The tyrosine amino acid residue is found in multiple mammalian species, suggesting that this missense change does not adversely affect protein function. These predictions have not been confirmed by published functional studies and their clinical significance is uncertain. In summary, the available evidence is currently insufficient to determine the role of this variant in disease. Therefore, it has been classified as a Variant of Uncertain Significance.

NM_001099274.3(TINF2):c.1331G>A (p.Cys444Tyr)

Gene: TINF2 (TERF1 interacting nuclear factor 2; minus strand). Cytogenetic location: 14q12.
Variant type: single nucleotide variant.
Coding change: c.1331G>A on transcript NM_001099274.3 (MANE Select); coding-DNA position 1331, G replaced by A.
Protein change: p.Cys444Tyr; replaces cysteine 444 with tyrosine.
Molecular consequence: missense variant. On other transcripts: 3 prime UTR variant (1).
Genome position (GRCh38, 1-based): chr14:24,239,822, C>T on the plus strand (G>A on the coding strand, the complement: TINF2 is on the minus strand). VCF-style: chr14-24239822-C-T. GRCh37 (hg19) VCF-style: chr14-24709028-C-T.
Other names: c.1226G>A, p.Cys409Tyr (NM_001363668.2); c.*593G>A (NM_012461.3); short protein forms C409Y, C444Y.
Identifiers: ClinVar variation 965002 (VCV000965002.2), dbSNP rs1455962316, ClinGen allele CA389219455.